The following is an entry in ClinVar:

ClinVar aggregate classification (germline): Conflicting classifications of pathogenicity. Review status: criteria provided, conflicting classifications (1 of 4 stars). 2 submissions from 2 submitters: Likely pathogenic (1); Uncertain significance (1). Last evaluated 2026-07-27.

Conditions:
Usher syndrome type 1F (USH1F). Also called: USHER SYNDROME, TYPE IF. Identifiers: Orphanet 231169, Orphanet 886, MedGen C1865885, MONDO:0011186, OMIM 602083.
Autosomal recessive nonsyndromic hearing loss 23. Identifiers: Orphanet 90636, MedGen C1836027, MONDO:0012293, OMIM 609533.

Submissions (2):

Myriad Genetics, Inc.
Classification: Uncertain significance for Usher syndrome type 1F. Last evaluated: 2026-07-27. Review status: criteria provided, single submitter. Criteria: Myriad Autosomal Dominant, Autosomal Recessive and X-Linked Classification Criteria (2023). Collection method: clinical testing. Allele origin: unknown.
Comment: NM_033056.3(PCDH15):c.3009+1G>C is a variant in a canonical splice site classified as a variant of uncertain significance in the context of PCDH15-related disorders. c.3009+1G>C has not been observed in cases with relevant disease. Relevant functional assessments of this variant are not available in the literature. c.3009+1G>C has not been observed in referenced population frequency databases. In summary, there is insufficient evidence to classify NM_033056.3(PCDH15):c.3009+1G>C as pathogenic or benign. Please note: this variant was assessed in the context of healthy population screening.

Baylor Genetics
Classification: Likely pathogenic for Autosomal recessive nonsyndromic hearing loss 23. Last evaluated: 2023-05-21. Review status: criteria provided, single submitter. Criteria: ACMG Guidelines, 2015. Collection method: clinical testing. Allele origin: unknown.

NM_001384140.1(PCDH15):c.3009+1G>C

Gene: PCDH15 (protocadherin related 15; minus strand). Cytogenetic location: 10q21.1.
Variant type: single nucleotide variant.
Coding change: c.3009+1G>C on transcript NM_001384140.1 (MANE Select); the canonical splice donor site of the intron after coding-DNA position 3009, G replaced by C.
Molecular consequence: splice donor variant.
Genome position (GRCh38, 1-based): chr10:53,961,751, C>G on the plus strand (G>C on the coding strand, the complement: PCDH15 is on the minus strand). VCF-style: chr10-53961751-C-G. GRCh37 (hg19) VCF-style: chr10-55721511-C-G.
Other names: c.3009+1G>C (NM_001354420.2, NM_001354429.2, NM_001142772.2 and 4 more transcripts); c.3024+1G>C (NM_001142771.2, NM_001142763.2); c.3030+1G>C (NM_001354411.2); c.3045+1G>C (NM_001142769.3); c.2943+1G>C (NM_001354404.2, NM_001142773.2, NM_001142768.2); c.2898+1G>C (NM_001142767.2); c.2796+1G>C (NM_001142765.2).
Identifiers: ClinVar variation 2677553 (VCV002677553.2), dbSNP rs2495134983, ClinGen allele CA376521465.
Genomic context (GRCh38, chr10:53,961,751, plus strand): 5'-GCCAAATTCTCTATCAAAAATTAAACATCAAATAGACCACATAATGAAAAGAGACACTGA[C>G]CTTAAAAATTGTTGTAGGTTCTTCATTAAGATTGACTCGTGTTATTACTCTTCCAGAATC-3'